The following is an entry in ClinVar:

ClinVar aggregate classification (germline): Uncertain significance. Review status: criteria provided, multiple submitters, no conflicts (2 of 4 stars). 3 submissions from 3 submitters: Uncertain significance (3). Last evaluated 2026-04-13.

Conditions:
Inborn genetic diseases. Identifiers: MedGen C0950123, MeSH D030342.

Submissions (3):

Dasa
Classification: Uncertain significance. Last evaluated: 2026-04-13. Review status: criteria provided, single submitter. Criteria: DASA Assertion Criteria. Collection method: clinical testing. Allele origin: germline.
Comment: NM_001385012.1(NBEA):c.6724C>G (p.Pro2242Ala) is a missense variant that results in the substitution of proline with alanine. This variant is rare in population databases. The currently available literature and clinical evidence are not sufficient to establish a definitive association between this variant and the reported condition. Therefore, this variant is classified as a variant of uncertain significance.

Ambry Genetics
Classification: Uncertain significance for Inborn genetic diseases. Last evaluated: 2024-10-21. Review status: criteria provided, single submitter. Criteria: Ambry Variant Classification Scheme 2023. Collection method: clinical testing. Allele origin: germline.

GeneDx
Classification: Uncertain significance. Last evaluated: 2020-01-07. Review status: criteria provided, single submitter. Criteria: GeneDx Variant Classification Process June 2021. Collection method: clinical testing. Allele origin: germline. Affected: yes.
Comment: Not observed in large population cohorts (Lek et al., 2016); In silico analysis, which includes protein predictors and evolutionary conservation, supports a deleterious effect; Has not been previously published as pathogenic or benign to our knowledge

NM_001385012.1(NBEA):c.6724C>G (p.Pro2242Ala)

Gene: NBEA (neurobeachin; plus strand). Cytogenetic location: 13q13.3.
Variant type: single nucleotide variant.
Coding change: c.6724C>G on transcript NM_001385012.1 (MANE Select); coding-DNA position 6724, C replaced by G.
Protein change: p.Pro2242Ala; replaces proline 2242 with alanine.
Molecular consequence: missense variant.
Genome position (GRCh38, 1-based): chr13:35,550,950, C>G. VCF-style: chr13-35550950-C-G. GRCh37 (hg19) VCF-style: chr13-36125087-C-G.
Other names: c.103C>G, p.Pro35Ala (NM_001204197.3); c.6715C>G, p.Pro2239Ala (NM_001379245.1); c.6724C>G, p.Pro2242Ala (NM_015678.5); short protein forms P2239A, P2242A, P35A.
Identifiers: ClinVar variation 1320999 (VCV001320999.5), dbSNP rs2153013060, ClinGen allele CA387985883.